The following is an entry in ClinVar:

ClinVar aggregate classification (germline): Uncertain significance (1 of 4 stars; one submission).

Allele frequency attached by ClinVar (database versions not stated): gnomAD exomes below 0.00001 and 0.00001; TOPMed 0.00001.
gnomAD v4.1: 8 of 1,614,032 alleles (0.0005%); highest among the groups gnomAD compares: Admixed American, 0.0067%; no homozygotes.

Submission:

Labcorp Genetics (formerly Invitae), Labcorp
Classification: Uncertain significance. Last evaluated: 2021-09-27. Review status: criteria provided, single submitter. Criteria: Invitae Variant Classification Sherloc (09022015). Collection method: clinical testing. Allele origin: germline.
Comment: This sequence change replaces arginine with cysteine at codon 75 of the TSEN2 protein (p.Arg75Cys). The arginine residue is moderately conserved and there is a large physicochemical difference between arginine and cysteine. In summary, the available evidence is currently insufficient to determine the role of this variant in disease. Therefore, it has been classified as a Variant of Uncertain Significance. Algorithms developed to predict the effect of missense changes on protein structure and function are either unavailable or do not agree on the potential impact of this missense change (SIFT: "Deleterious"; PolyPhen-2: "Probably Damaging"; Align-GVGD: "Class C0"). This variant has not been reported in the literature in individuals affected with TSEN2-related conditions. This variant is not present in population databases (ExAC no frequency).

NM_025265.4(TSEN2):c.223C>T (p.Arg75Cys)

Gene: TSEN2 (tRNA splicing endonuclease subunit 2; plus strand). Cytogenetic location: 3p25.2.
Variant type: single nucleotide variant.
Coding change: c.223C>T on transcript NM_025265.4 (MANE Select); coding-DNA position 223, C replaced by T.
Protein change: p.Arg75Cys; replaces arginine 75 with cysteine.
Molecular consequence: missense variant. On other transcripts: non-coding transcript variant (1).
Genome position (GRCh38, 1-based): chr3:12,492,169, C>T. VCF-style: chr3-12492169-C-T. GRCh37 (hg19) VCF-style: chr3-12533668-C-T.
Other names: c.223C>T, p.Arg75Cys (NM_001145392.2, NM_001145393.3, NM_001145394.2 and 3 more transcripts); short protein forms R75C.
Identifiers: ClinVar variation 1373456 (VCV001373456.6), dbSNP rs1260512452, ClinGen allele CA351467174.
Genomic context (GRCh38, chr3:12,492,169, plus strand): 5'-TAACTTCATTTTCTCTCTTCCTGGAAGGGTTATTTTGGAAAAGGTATTCTTTCAAGAAGC[C>T]GTCCAAGCTTCACAATTTCAGATCCTAAACTGGTTGCTAAATGGAAAGGTAAAGTTGTTG-3'
Protein context (NP_079541.1, residues 65-85): YFGKGILSRS[Arg75Cys]PSFTISDPKL